The following is an entry in ClinVar:

ClinVar aggregate classification (germline): Conflicting classifications of pathogenicity. Review status: criteria provided, conflicting classifications (1 of 4 stars). 4 submissions from 4 submitters: Pathogenic (1); Uncertain significance (1). 2 of the submissions do not count toward it. Last evaluated 2024-12-10.

Conditions:
Cataract-growth hormone deficiency-sensory neuropathy-sensorineural hearing loss-skeletal dysplasia syndrome. Also called: Cataracts, growth hormone deficiency, sensory neuropathy, sensorineural hearing loss, and skeletal dysplasia. Identifiers: Orphanet 436174, MedGen C4014942, MONDO:0014455, OMIM 616007.
Peripheral neuropathy. Also called: Neuropathy. Identifiers: MedGen C0031117, MONDO:0005244, HP:0009830.
Cataract. Also called: Cataract (disease); cataracts. Identifiers: MedGen C0086543, MeSH D002386, MONDO:0005129, HP:0000518.
growth hormone deficiency with short stature. Identifiers: MedGen CN220452.
partial sensorineural deafness. Identifiers: MedGen CN220453.

Allele frequency attached by ClinVar (database versions not stated): TOPMed below 0.00001; gnomAD exomes 0.00001.
gnomAD v4.1: 4 of 1,613,630 alleles (0.00025%); highest among the groups gnomAD compares: Non-Finnish European, 0.00034%; no homozygotes.

Submissions (4):

Labcorp Genetics (formerly Invitae), Labcorp
Classification: Uncertain significance. Last evaluated: 2024-12-10. Review status: criteria provided, single submitter. Criteria: Invitae Variant Classification Sherloc (09022015). Collection method: clinical testing. Allele origin: germline.
Comment: This sequence change replaces proline, which is neutral and non-polar, with leucine, which is neutral and non-polar, at codon 909 of the IARS2 protein (p.Pro909Leu). This variant is not present in population databases (gnomAD no frequency). This missense change has been observed in individual(s) with cataracts, growth hormone deficiency, sensory neuropathy, sensorineural hearing loss, and skeletal dysplasia syndrome (PMID: 25130867). ClinVar contains an entry for this variant (Variation ID: 156553). An algorithm developed to predict the effect of missense changes on protein structure and function (PolyPhen-2) suggests that this variant is likely to be disruptive. This variant disrupts the p.Pro909 amino acid residue in IARS2. Other variant(s) that disrupt this residue have been observed in individuals with IARS2-related conditions (PMID: 30419932), which suggests that this may be a clinically significant amino acid residue. In summary, the available evidence is currently insufficient to determine the role of this variant in disease. Therefore, it has been classified as a Variant of Uncertain Significance.

3billion
Classification: Pathogenic for Cataract-growth hormone deficiency-sensory neuropathy-sensorineural hearing loss-skeletal dysplasia syndrome. Last evaluated: 2023-06-02. Review status: criteria provided, single submitter. Criteria: ACMG Guidelines, 2015. Collection method: clinical testing. Allele origin: germline. Affected: yes.
Comment: The variant is not observed in the gnomAD v2.1.1 dataset. Predicted Consequence/Location: Missense variant Functional studies provide moderate evidence of the variant having a damaging effect on the gene or gene product (PMID: 25130867). In silico tool predictions suggest damaging effect of the variant on gene or gene product (REVEL: 0.82; 3Cnet: 0.50). Same nucleotide change resulting in same amino acid change has been previously reported as pathogenic/likely pathogenic with strong evidence (ClinVar ID: VCV000156553 /PMID: 25130867). The variant has been reported to co-segregate with the disease in at least one similarly affected relative/individual in the same family or similarly affected unrelated family (PMID: 25130867). A different missense change at the same codon (p.Pro909Ser) has been reported to be associated with IARS2 related disorder (ClinVar ID: VCV000638571 /PMID: 30419932). Therefore, this variant is classified as Pathogenic according to the recommendation of ACMG/AMP guideline.

OMIM
Classification: Pathogenic for CATARACTS, GROWTH HORMONE DEFICIENCY, SENSORY NEUROPATHY, SENSORINEURAL HEARING LOSS, AND SKELETAL DYSPLASIA. Last evaluated: 2014-11-01. Review status: no assertion criteria provided. Collection method: literature only. Allele origin: germline. Not counted in ClinVar's aggregate classification.

Samuels research lab, Centre de Recherche du CHU Ste-Justine
Classification: Pathogenic for Cataracts; growth hormone deficiency with short stature; partial sensorineural deafness; peripheral neuropathy. Last evaluated: 2014-04-01. Review status: no assertion criteria provided. Collection method: research. Allele origin: germline. Affected: yes. Observed: 3 variant alleles, 3 homozygotes. Study: FORGE Canada. Not counted in ClinVar's aggregate classification.
Comment: Molecular characterization of rare pediatric disorders in Canada

Literature cited by the submitters: PubMed 25130867 (cited by 4 submitters); PubMed 30419932 (cited by Labcorp Genetics (formerly Invitae), Labcorp and 3billion); PubMed 8409271 (cited by OMIM).

NM_018060.4(IARS2):c.2726C>T (p.Pro909Leu)

Gene: IARS2 (isoleucyl-tRNA synthetase 2, mitochondrial; plus strand). Cytogenetic location: 1q41.
Variant type: single nucleotide variant.
Coding change: c.2726C>T on transcript NM_018060.4 (MANE Select); coding-DNA position 2726, C replaced by T.
Protein change: p.Pro909Leu; replaces proline 909 with leucine.
Molecular consequence: missense variant.
Genome position (GRCh38, 1-based): chr1:220,143,109, C>T. VCF-style: chr1-220143109-C-T. GRCh37 (hg19) VCF-style: chr1-220316451-C-T.
Other names: short protein forms P909L.
Identifiers: ClinVar variation 156553 (VCV000156553.7), dbSNP rs587783070, ClinGen allele CA171024.